The following is an entry in ClinVar:

NM_133497.4(KCNV2):c.143A>G (p.Glu48Gly)

Gene: KCNV2 (potassium voltage-gated channel modifier subfamily V member 2; plus strand). Cytogenetic location: 9p24.2.
Variant type: single nucleotide variant.
Coding change: c.143A>G on transcript NM_133497.4 (MANE Select); coding-DNA position 143, A replaced by G.
Protein change: p.Glu48Gly; replaces glutamic acid 48 with glycine.
Molecular consequence: missense variant.
Genome position (GRCh38, 1-based): chr9:2,717,882, A>G. VCF-style: chr9-2717882-A-G. GRCh37 (hg19) VCF-style: chr9-2717882-A-G.
Other names: c.143A>G (NM_133497.3); short protein forms E48G.
Identifiers: ClinVar variation 3685176 (VCV003685176.3).

ClinVar aggregate classification (germline): Uncertain significance. Review status: criteria provided, multiple submitters, no conflicts (2 of 4 stars). 2 submissions from 2 submitters: Uncertain significance (2). Last evaluated 2025-10-29.

Conditions:
Inborn genetic diseases. Identifiers: MedGen C0950123, MeSH D030342.

Submissions (2):

Ambry Genetics
Classification: Uncertain significance for Inborn genetic diseases. Last evaluated: 2025-10-29. Review status: criteria provided, single submitter. Criteria: Ambry Variant Classification Scheme 2023. Collection method: clinical testing. Allele origin: germline.

Labcorp Genetics (formerly Invitae), Labcorp
Classification: Uncertain significance. Last evaluated: 2024-11-08. Review status: criteria provided, single submitter. Criteria: Invitae Variant Classification Sherloc (09022015). Collection method: clinical testing. Allele origin: germline.
Comment: This sequence change replaces glutamic acid, which is acidic and polar, with glycine, which is neutral and non-polar, at codon 48 of the KCNV2 protein (p.Glu48Gly). This variant is not present in population databases (gnomAD no frequency). This variant has not been reported in the literature in individuals affected with KCNV2-related conditions. Invitae Evidence Modeling of protein sequence and biophysical properties (such as structural, functional, and spatial information, amino acid conservation, physicochemical variation, residue mobility, and thermodynamic stability) indicates that this missense variant is not expected to disrupt KCNV2 protein function with a negative predictive value of 95%. In summary, the available evidence is currently insufficient to determine the role of this variant in disease. Therefore, it has been classified as a Variant of Uncertain Significance.